The following is an entry in ClinVar:

NM_001035.3(RYR2):c.1891C>T (p.Leu631Phe)

Gene: RYR2 (ryanodine receptor 2; plus strand). Cytogenetic location: 1q43.
Variant type: single nucleotide variant.
Coding change: c.1891C>T on transcript NM_001035.3 (MANE Select); coding-DNA position 1891, C replaced by T.
Protein change: p.Leu631Phe; replaces leucine 631 with phenylalanine.
Molecular consequence: missense variant.
Genome position (GRCh38, 1-based): chr1:237,493,017, C>T. VCF-style: chr1-237493017-C-T. GRCh37 (hg19) VCF-style: chr1-237656317-C-T.
Other names: short protein forms L631F.
Identifiers: ClinVar variation 3385679 (VCV003385679.1).
Genomic context (GRCh38, chr1:237,493,017, plus strand): 5'-CTGGATGTCTTGTGCTCACTCTGTGTTTGCCACGGGGTTGCAGTCCGTTCTAACCAGCAT[C>T]TCATCTGTGACAATCTCCTACCAGGAAGAGACTTGTTATTGCAGACACGTCTTGTGAACC-3'
Protein context (NP_001026.2, residues 621-641): HGVAVRSNQH[Leu631Phe]ICDNLLPGRD

ClinVar aggregate classification (germline): Uncertain significance (1 of 4 stars; one submission).

Conditions:
Catecholaminergic polymorphic ventricular tachycardia (CVPT). Also called: Catecholamine-induced polymorphic ventricular tachycardia. Identifiers: Orphanet 3286, MedGen C5574922, MONDO:0017990.

gnomAD v4.1: 1 of 1,612,386 alleles (0.000062%); highest among the groups gnomAD compares: Non-Finnish European, 0.000085%; no homozygotes.

Submission:

All of Us Research Program, National Institutes of Health
Classification: Uncertain significance for Catecholaminergic polymorphic ventricular tachycardia. Last evaluated: 2024-05-14. Review status: criteria provided, single submitter. Criteria: ACMG Guidelines, 2015. Collection method: clinical testing. Allele origin: germline. Inheritance: Autosomal dominant inheritance. Observed: 1 variant allele, 1 heterozygote.
Comment: This missense variant replaces leucine with phenylalanine at codon 631 of the RYR2 protein. Computational prediction is inconclusive regarding the impact of this variant on protein structure and function (internally defined REVEL score threshold 0.5 < inconclusive < 0.7, PMID: 27666373). To our knowledge, functional studies have not been reported for this variant. This variant has not been reported in individuals affected with RYR2-related disorders in the literature. This variant has not been identified in the general population by the Genome Aggregation Database (gnomAD). The available evidence is insufficient to determine the role of this variant in disease conclusively. Therefore, this variant is classified as a Variant of Uncertain Significance.

This study involves interpretation of variants in research participants for the purpose of population health screening. Participant phenotype was not available at the time of variant classification. Additional details can be found in publication PMID: 35346344, PMCID: PMC8962531